The following is an entry in ClinVar:

ClinVar aggregate classification (germline): Likely benign (0 of 4 stars; one submission).

Conditions:
SEMA3F-related disorder. Also called: SEMA3F-related condition.

Allele frequency attached by ClinVar (database versions not stated): gnomAD 0.00001; TOPMed 0.00001; ExAC 0.00014.
gnomAD v4.1: 12 of 1,540,556 alleles (0.00078%); highest among the groups gnomAD compares: East Asian, 0.028%; no homozygotes.

Submission:

PreventionGenetics, part of Exact Sciences
Classification: Likely benign for SEMA3F-related condition. Last evaluated: 2022-05-26. Review status: no assertion criteria provided. Collection method: clinical testing. Allele origin: germline.
Comment: This variant is classified as likely benign based on ACMG/AMP sequence variant interpretation guidelines (Richards et al. 2015 PMID: 25741868, with internal and published modifications).

NM_004186.5(SEMA3F):c.2337G>A (p.Arg779=)

Gene: SEMA3F (semaphorin 3F; plus strand). Cytogenetic location: 3p21.31.
Variant type: single nucleotide variant.
Coding change: c.2337G>A on transcript NM_004186.5 (MANE Select); coding-DNA position 2337, G replaced by A.
Protein change: p.Arg779=; no amino-acid change (arginine 779 retained).
Molecular consequence: synonymous variant.
Genome position (GRCh38, 1-based): chr3:50,188,094, G>A. VCF-style: chr3-50188094-G-A. GRCh37 (hg19) VCF-style: chr3-50225527-G-A.
Other names: c.2040G>A, p.Arg680= (NM_001318798.2); c.2244G>A, p.Arg748= (NM_001318800.2).
Identifiers: ClinVar variation 3036087 (VCV003036087.2), dbSNP rs766198052, ClinGen allele CA2412392.